The following is an entry in ClinVar:

ClinVar aggregate classification (germline): Uncertain significance. Review status: criteria provided, multiple submitters, no conflicts (2 of 4 stars). 2 submissions from 2 submitters: Uncertain significance (2). Last evaluated 2022-07-08.

Conditions:
Inborn genetic diseases. Identifiers: MedGen C0950123, MeSH D030342.
Hereditary sensory and autonomic neuropathy type 6. Also called: HSAN VI; Neuropathy, hereditary sensory and autonomic, type VI. Identifiers: Orphanet 314381, MedGen C3539003, MONDO:0013839, OMIM 614653.
Epidermolysis bullosa simplex 3, localized or generalized intermediate, with BP230 deficiency (EBS3). Also called: Epidermolysis bullosa simplex due to BP230 deficiency; Epidermolysis bullosa simplex, autosomal recessive 2. Identifiers: Orphanet 412181, MedGen C3809470, MONDO:0014180, OMIM 615425.

Allele frequency attached by ClinVar (database versions not stated): TOPMed 0.00009; gnomAD 0.00011 and 0.00012.
gnomAD v4.1: 74 of 1,611,890 alleles (0.0046%); highest among the groups gnomAD compares: Admixed American, 0.01%; no homozygotes.

Submissions (2):

Labcorp Genetics (formerly Invitae), Labcorp
Classification: Uncertain significance for Epidermolysis bullosa simplex 3, localized or generalized intermediate, with BP230 deficiency; Hereditary sensory and autonomic neuropathy type 6. Last evaluated: 2022-07-08. Review status: criteria provided, single submitter. Criteria: Invitae Variant Classification Sherloc (09022015). Collection method: clinical testing. Allele origin: germline.
Comment: The DST gene has multiple clinically relevant transcripts. This variant occurs in alternate transcript NM_015548.4, and corresponds to NM_001723.5:c.*62784A>T in the primary transcript. This sequence change replaces leucine, which is neutral and non-polar, with phenylalanine, which is neutral and non-polar, at codon 2730 of the DST protein (p.Leu2730Phe). This variant is present in population databases (rs773675349, gnomAD 0.008%). This variant has not been reported in the literature in individuals affected with DST-related conditions. Experimental studies and prediction algorithms are not available or were not evaluated, and the functional significance of this variant is currently unknown. In summary, the available evidence is currently insufficient to determine the role of this variant in disease. Therefore, it has been classified as a Variant of Uncertain Significance.

Ambry Genetics
Classification: Uncertain significance for Inborn genetic diseases. Last evaluated: 2020-02-04. Review status: criteria provided, single submitter. Criteria: Ambry Variant Classification Scheme 2023. Collection method: clinical testing. Allele origin: germline.
Comment: The p.L3234F variant (also known as c.9702A>T), located in coding exon 55 of the DST gene, results from an A to T substitution at nucleotide position 9702. The leucine at codon 3234 is replaced by phenylalanine, an amino acid with highly similar properties. This amino acid position is well conserved in available vertebrate species. In addition, the in silico prediction for this alteration is inconclusive. Since supporting evidence is limited at this time, the clinical significance of this alteration remains unclear.

NM_001374736.1(DST):c.16059A>T (p.Leu5353Phe)

Gene: DST (dystonin; minus strand). Cytogenetic location: 6p12.1.
Variant type: single nucleotide variant.
Coding change: c.16059A>T on transcript NM_001374736.1 (MANE Select); coding-DNA position 16059, A replaced by T.
Protein change: p.Leu5353Phe; replaces leucine 5353 with phenylalanine.
Molecular consequence: missense variant.
Genome position (GRCh38, 1-based): chr6:56,552,733, T>A on the plus strand (A>T on the coding strand, the complement: DST is on the minus strand). VCF-style: chr6-56552733-T-A. GRCh37 (hg19) VCF-style: chr6-56417531-T-A.
Other names: c.9702A>T, p.Leu3234Phe (NM_001144769.5); c.9288A>T, p.Leu3096Phe (NM_001144770.2); c.16059A>T, p.Leu5353Phe (NM_001374722.1); c.15426A>T, p.Leu5142Phe (NM_001374729.1); c.9168A>T, p.Leu3056Phe (NM_001374730.1, NM_001386100.1, NM_183380.4); c.16086A>T, p.Leu5362Phe (NM_001374734.1); c.8190A>T, p.Leu2730Phe (NM_015548.5); c.8190A>T (NM_015548.4); short protein forms L2730F, L3056F, L5362F, L5353F, L5142F, L3096F, L3234F.
Identifiers: ClinVar variation 1391065 (VCV001391065.6), dbSNP rs773675349, ClinGen allele CA3867730.